The following is an entry in ClinVar:

NM_001148.6(ANK2):c.4090T>G (p.Phe1364Val)

Gene: ANK2 (ankyrin 2; plus strand). Cytogenetic location: 4q26.
Variant type: single nucleotide variant.
Coding change: c.4090T>G on transcript NM_001148.6 (MANE Select); coding-DNA position 4090, T replaced by G.
Protein change: p.Phe1364Val; replaces phenylalanine 1364 with valine.
Molecular consequence: missense variant.
Genome position (GRCh38, 1-based): chr4:113,341,884, T>G. VCF-style: chr4-113341884-T-G. GRCh37 (hg19) VCF-style: chr4-114263040-T-G.
Other names: c.3928T>G, p.Phe1310Val (NM_001354262.2, NM_001354275.2, NM_001354245.2); c.3925T>G, p.Phe1309Val (NM_001354264.2); c.4087T>G, p.Phe1363Val (NM_001354265.2, NM_001354235.2, NM_001354246.2); c.3904T>G, p.Phe1302Val (NM_001354266.2, NM_001354267.2, NM_001354276.2 and 6 more transcripts); c.3892T>G, p.Phe1298Val (NM_001354268.2); c.3877T>G, p.Phe1293Val (NM_001354269.3); c.3865T>G, p.Phe1289Val (NM_001354270.2, NM_001354253.2); c.3805T>G, p.Phe1269Val (NM_001354271.2, NM_001386151.1, NM_001354260.2); and 31 more; short protein forms F1298V, F1310V, F1319V, F1342V, F1357V, F1378V, F552V, F1277V.
Identifiers: ClinVar variation 2835091 (VCV002835091.3), dbSNP rs2503838952, ClinGen allele CA357910270.
Genomic context (GRCh38, chr4:113,341,884, plus strand): 5'-TTGAGGTGTTTCTGCATGACTGATGATAAAGTGGATAAGACCCTTGAACAACAAGAAAAT[T>G]TTGCTGAGGTGGCCAGAAGCAGGGATGTGGAGGTACTGTACCAAAAATAATAATAATAAT-3'
Protein context (NP_001139.3, residues 1354-1374): VDKTLEQQEN[Phe1364Val]AEVARSRDVE

ClinVar aggregate classification (germline): Uncertain significance (1 of 4 stars; one submission).

Conditions:
Long QT syndrome (LQTS). Identifiers: MedGen C0023976, MeSH D008133, MONDO:0002442. Disease mechanism: loss of function. Inheritance: Various modes of inheritance.

Submission:

Labcorp Genetics (formerly Invitae), Labcorp
Classification: Uncertain significance for Long QT syndrome. Last evaluated: 2023-02-06. Review status: criteria provided, single submitter. Criteria: Invitae Variant Classification Sherloc (09022015). Collection method: clinical testing. Allele origin: germline.
Comment: In summary, the available evidence is currently insufficient to determine the role of this variant in disease. Therefore, it has been classified as a Variant of Uncertain Significance. Advanced modeling of protein sequence and biophysical properties (such as structural, functional, and spatial information, amino acid conservation, physicochemical variation, residue mobility, and thermodynamic stability) performed at Invitae indicates that this missense variant is expected to disrupt ANK2 protein function. This variant has not been reported in the literature in individuals affected with ANK2-related conditions. This variant is not present in population databases (gnomAD no frequency). This sequence change replaces phenylalanine, which is neutral and non-polar, with valine, which is neutral and non-polar, at codon 1364 of the ANK2 protein (p.Phe1364Val).